The following is an entry in ClinVar:

NC_000005.10:g.(?_177992699)_(177995943_?)del

Gene: PROP1 (PROP paired-like homeobox 1; minus strand). Cytogenetic location: 5q35.3.
Variant type: Deletion.
Identifiers: ClinVar variation 831587 (VCV000831587.6).

ClinVar aggregate classification (germline): Pathogenic (1 of 4 stars; one submission).

Submission:

Labcorp Genetics (formerly Invitae), Labcorp
Classification: Pathogenic. Last evaluated: 2021-08-04. Review status: criteria provided, single submitter. Criteria: Invitae Variant Classification Sherloc (09022015). Collection method: clinical testing. Allele origin: germline.
Comment: A gross deletion of the genomic region encompassing the full coding sequence of the PROP1 gene has been identified. Loss-of-function variants in PROP1 are known to be pathogenic (PMID: 9462743, 9745452). The boundaries of this event are unknown as they extend beyond the assayed region for this gene and therefore may encompass additional genes. A similar copy number variant has been observed in individuals with pituitary hormone deficiency (PMID: 16918947, 21932604, 28356564, 30266296). For these reasons, this variant has been classified as Pathogenic.

Literature cited by the submitters: PubMed 9462743; PubMed 9745452; PubMed 16918947; PubMed 21932604; PubMed 28356564; PubMed 30266296.